The following is an entry in ClinVar:

NM_024312.5(GNPTAB):c.3026A>C (p.Asn1009Thr)

Gene: GNPTAB (N-acetylglucosamine-1-phosphate transferase subunits alpha and beta; minus strand). Cytogenetic location: 12q23.2.
Variant type: single nucleotide variant.
Coding change: c.3026A>C on transcript NM_024312.5 (MANE Select); coding-DNA position 3026, A replaced by C.
Protein change: p.Asn1009Thr; replaces asparagine 1009 with threonine.
Molecular consequence: missense variant.
Genome position (GRCh38, 1-based): chr12:101,761,236, T>G on the plus strand (A>C on the coding strand, the complement: GNPTAB is on the minus strand). VCF-style: chr12-101761236-T-G. GRCh37 (hg19) VCF-style: chr12-102155014-T-G.
Other names: short protein forms N1009T.
Identifiers: ClinVar variation 1041561 (VCV001041561.8), dbSNP rs1952987566, ClinGen allele CA386295534.

ClinVar aggregate classification (germline): Uncertain significance. Review status: criteria provided, single submitter (1 of 4 stars). 2 submissions from 2 submitters: Uncertain significance (1). 1 of the submissions does not count toward it. Last evaluated 2024-11-05.

Conditions:
Mucolipidosis type II. Also called: Mucolipidosis 2; ML 2; Inclusion cell disease; Leroy Disease; N-acetylglucosamine 1phosphotransferase deficiency; ML disorder type 2. Identifiers: Orphanet 576, MedGen C2673377, MONDO:0009650, OMIM 252500.
Pseudo-Hurler polydystrophy. Also called: ML IIIA; Mucolipidosis III Alpha/Beta; MUCOLIPIDOSIS IIIA; ML III; ML III ALPHA/BETA; Type III Mucolipidosis. Identifiers: Orphanet 423461, Orphanet 577, MedGen C0033788, MONDO:0018931, OMIM 252600.

gnomAD v4.1: 1 of 1,613,844 alleles (0.000062%); highest among the groups gnomAD compares: Admixed American, 0.0017%; no homozygotes.

Submissions (2):

Labcorp Genetics (formerly Invitae), Labcorp
Classification: Uncertain significance for Pseudo-Hurler polydystrophy; Mucolipidosis type II. Last evaluated: 2024-11-05. Review status: criteria provided, single submitter. Criteria: Invitae Variant Classification Sherloc (09022015). Collection method: clinical testing. Allele origin: germline.
Comment: This sequence change replaces asparagine, which is neutral and polar, with threonine, which is neutral and polar, at codon 1009 of the GNPTAB protein (p.Asn1009Thr). This variant is not present in population databases (gnomAD no frequency). This variant has not been reported in the literature in individuals affected with GNPTAB-related conditions. ClinVar contains an entry for this variant (Variation ID: 1041561). Invitae Evidence Modeling of protein sequence and biophysical properties (such as structural, functional, and spatial information, amino acid conservation, physicochemical variation, residue mobility, and thermodynamic stability) indicates that this missense variant is not expected to disrupt GNPTAB protein function with a negative predictive value of 80%. In summary, the available evidence is currently insufficient to determine the role of this variant in disease. Therefore, it has been classified as a Variant of Uncertain Significance.

Natera, Inc.
Classification: Uncertain significance for Mucolipidosis type II. Last evaluated: 2020-06-25. Review status: no assertion criteria provided. Collection method: clinical testing. Allele origin: germline. Not counted in ClinVar's aggregate classification.